The following is an entry in ClinVar:

ClinVar aggregate classification (germline): Conflicting classifications of pathogenicity. Review status: criteria provided, conflicting classifications (1 of 4 stars). 2 submissions from 2 submitters: Uncertain significance (1); Likely benign (1). Last evaluated 2022-12-04.

Conditions:
Hereditary cancer-predisposing syndrome. Also called: Neoplastic Syndromes, Hereditary; Tumor predisposition; Hereditary Cancer Syndrome; Hereditary neoplastic syndrome. Identifiers: Orphanet 140162, MedGen C0027672, MeSH D009386, MONDO:0015356.
Familial cancer of breast. Also called: BREAST CANCER, FAMILIAL; hereditary breast carcinoma; Hereditary breast cancer. Identifiers: Orphanet 227535, MedGen C0346153, MONDO:0016419, OMIM 114480. Disease mechanism: loss of function.

Submissions (2):

Labcorp Genetics (formerly Invitae), Labcorp
Classification: Uncertain significance for Familial cancer of breast. Last evaluated: 2022-12-04. Review status: criteria provided, single submitter. Criteria: Invitae Variant Classification Sherloc (09022015). Collection method: clinical testing. Allele origin: germline.
Comment: This sequence change replaces threonine, which is neutral and polar, with alanine, which is neutral and non-polar, at codon 235 of the PALB2 protein (p.Thr235Ala). This variant is not present in population databases (gnomAD no frequency). This variant has not been reported in the literature in individuals affected with PALB2-related conditions. In summary, the available evidence is currently insufficient to determine the role of this variant in disease. Therefore, it has been classified as a Variant of Uncertain Significance. Algorithms developed to predict the effect of missense changes on protein structure and function output the following: SIFT: "Tolerated"; PolyPhen-2: "Benign"; Align-GVGD: "Class C0". The alanine amino acid residue is found in multiple mammalian species, which suggests that this missense change does not adversely affect protein function.

Ambry Genetics
Classification: Likely benign for Hereditary cancer-predisposing syndrome. Last evaluated: 2021-02-26. Review status: criteria provided, single submitter. Criteria: Ambry Variant Classification Scheme 2023. Collection method: clinical testing. Allele origin: germline.

NM_024675.4(PALB2):c.703A>G (p.Thr235Ala)

Gene: PALB2 (partner and localizer of BRCA2; minus strand). Cytogenetic location: 16p12.2.
Variant type: single nucleotide variant.
Coding change: c.703A>G on transcript NM_024675.4 (MANE Select); coding-DNA position 703, A replaced by G.
Protein change: p.Thr235Ala; replaces threonine 235 with alanine.
Molecular consequence: missense variant.
Genome position (GRCh38, 1-based): chr16:23,635,843, T>C on the plus strand (A>G on the coding strand, the complement: PALB2 is on the minus strand). VCF-style: chr16-23635843-T-C. GRCh37 (hg19) VCF-style: chr16-23647164-T-C.
Other names: c.643A>G, p.Thr215Ala (NM_001407296.1); c.703A>G, p.Thr235Ala (NM_001407297.1, NM_001407298.1, NM_001407299.1 and 3 more transcripts); c.-183A>G (NM_001407304.1, NM_001407305.1, NM_001407306.1 and 5 more transcripts); short protein forms T235A, T215A.
Identifiers: ClinVar variation 1756821 (VCV001756821.5), dbSNP rs2142436855, ClinGen allele CA395136368.